The following is an entry in ClinVar:

ClinVar aggregate classification (germline): Uncertain significance (1 of 4 stars; one submission).

Conditions:
Left ventricular noncompaction 1 (LVNC1). Also called: LEFT VENTRICULAR NONCOMPACTION 1 WITH OR WITHOUT CONGENITAL HEART DEFECTS. Identifiers: Orphanet 54260, MedGen C1858725, MONDO:0011403, OMIM 604169.

Allele frequency attached by ClinVar (database versions not stated): gnomAD exomes below 0.00001; TOPMed 0.00001.
gnomAD v4.1: 5 of 1,614,016 alleles (0.00031%); highest among the groups gnomAD compares: Admixed American, 0.0017%; no homozygotes.

Submission:

Labcorp Genetics (formerly Invitae), Labcorp
Classification: Uncertain significance for Left ventricular noncompaction 1. Last evaluated: 2018-09-24. Review status: criteria provided, single submitter. Criteria: Invitae Variant Classification Sherloc (09022015). Collection method: clinical testing. Allele origin: germline.
Comment: In summary, the available evidence is currently insufficient to determine the role of this variant in disease. Therefore, it has been classified as a Variant of Uncertain Significance. Algorithms developed to predict the effect of missense changes on protein structure and function (SIFT, PolyPhen-2, Align-GVGD) all suggest that this variant is likely to be tolerated, but these predictions have not been confirmed by published functional studies and their clinical significance is uncertain. This variant has not been reported in the literature in individuals with DTNA-related disease. This variant is not present in population databases (ExAC no frequency). This sequence change replaces methionine with threonine at codon 420 of the DTNA protein (p.Met420Thr). The methionine residue is moderately conserved and there is a moderate physicochemical difference between methionine and threonine.

NM_001386795.1(DTNA):c.1349T>C (p.Met450Thr)

Gene: DTNA (dystrobrevin alpha; plus strand). Cytogenetic location: 18q12.1.
Variant type: single nucleotide variant.
Coding change: c.1349T>C on transcript NM_001386795.1 (MANE Select); coding-DNA position 1349, T replaced by C.
Protein change: p.Met450Thr; replaces methionine 450 with threonine.
Molecular consequence: missense variant. On other transcripts: intron variant (1).
Genome position (GRCh38, 1-based): chr18:34,848,298, T>C. VCF-style: chr18-34848298-T-C. GRCh37 (hg19) VCF-style: chr18-32428262-T-C.
Other names: c.1088T>C, p.Met363Thr (NM_001198938.2, NM_001198939.2, NM_001198940.2 and 13 more transcripts); c.395T>C, p.Met132Thr (NM_001198942.1); c.338T>C, p.Met113Thr (NM_001198943.1); c.224T>C, p.Met75Thr (NM_001198944.1); c.1178T>C, p.Met393Thr (NM_001386754.1, NM_001386755.1, NM_001386756.1 and 5 more transcripts); c.1097T>C, p.Met366Thr (NM_001386761.1, NM_001386762.1, NM_032975.4 and 1 more transcripts); c.1349T>C, p.Met450Thr (NM_001386788.1); c.1268T>C, p.Met423Thr (NM_001390.5, NM_001391.5); and 4 more; short protein forms M113T, M366T, M71T, M75T, M363T, M132T, M420T, M423T.
Identifiers: ClinVar variation 652528 (VCV000652528.8), dbSNP rs956944215, ClinGen allele CA402173379.
Genomic context (GRCh38, chr18:34,848,298, plus strand): 5'-GACTGCAGCAATCTTTCTCAGTTGCCTAACGGTCTCCTTCTTGCTTTGTTCTTAATAGCA[T>C]GCTTGAGAGTTCAAACCGGCTTGATGAAGAACACAGGCTAATTGCCAGGTATGCGGCAAG-3'
Protein context (NP_001373724.1, residues 440-460): VNMLRNNPSC[Met450Thr]LESSNRLDEE